The following is an entry in ClinVar:

NM_001174147.2(LMX1B):c.327-5_327-3dup

Gene: LMX1B (LIM homeobox transcription factor 1 beta; plus strand). Cytogenetic location: 9q33.3.
Variant type: Duplication.
Coding change: c.327-5_327-3dup on transcript NM_001174147.2 (MANE Select); 5 bases into the intron before coding-DNA position 327 through 3 bases into the intron before coding-DNA position 327, 3 bases duplicated (CGC; older notation c.327-5_327-3dupCGC).
Molecular consequence: intron variant.
Genome position (GRCh38, 1-based): chr9:126,690,831-126,690,833, CGC duplicated; duplicating any 3 consecutive bases within chr9:126,690,830-126,690,833 gives the same sequence; the c. name uses the placement nearest the transcript's 3' end. VCF-style (leftmost placement, unchanged base first): chr9-126690829-T-TCCG. GRCh37 (hg19) VCF-style: chr9-129453108-T-TCCG.
Other names: c.327-5_327-3dup (NM_001174146.2, NM_002316.4).
Identifiers: ClinVar variation 1007191 (VCV001007191.13), dbSNP rs376229612, ClinGen allele CA5242283.

ClinVar aggregate classification (germline): Conflicting classifications of pathogenicity. Review status: criteria provided, conflicting classifications (1 of 4 stars). 4 submissions from 4 submitters: Uncertain significance (2); Likely benign (1). 1 of the submissions does not count toward it. Last evaluated 2026-03-03.

Conditions:
Kidney disorder. Also called: Nephropathy; Kidney Diseases; Kidney disease; renal disorder; renal disease. Identifiers: MedGen C0022658, MONDO:0005240, HP:0000112.
LMX1B-related disorder. Also called: LMX1B-related condition.

Submissions (4):

GeneDx
Classification: Uncertain significance. Last evaluated: 2026-03-03. Review status: criteria provided, single submitter. Criteria: GeneDx Variant Classification Process June 2021. Collection method: clinical testing. Allele origin: germline.
Comment: In silico analysis suggests that this variant does not alter splicing; Has not been previously published as pathogenic or benign to our knowledge

Labcorp Genetics (formerly Invitae), Labcorp
Classification: Likely benign. Last evaluated: 2025-04-17. Review status: criteria provided, single submitter. Criteria: Invitae Variant Classification Sherloc (09022015). Collection method: clinical testing. Allele origin: germline.

Genome Diagnostics Laboratory, The Hospital for Sick Children
Classification: Uncertain significance for Kidney disorder. Last evaluated: 2017-04-17. Review status: criteria provided, single submitter. Criteria: ACMG Guidelines, 2015. Collection method: clinical testing. Allele origin: germline.

PreventionGenetics, part of Exact Sciences
Classification: Likely benign for LMX1B-related condition. Last evaluated: 2019-09-19. Review status: no assertion criteria provided. Collection method: clinical testing. Allele origin: germline. Not counted in ClinVar's aggregate classification.
Comment: This variant is classified as likely benign based on ACMG/AMP sequence variant interpretation guidelines (Richards et al. 2015 PMID: 25741868, with internal and published modifications).